The following is an entry in ClinVar:

ClinVar aggregate classification (germline): Benign/Likely benign. Review status: criteria provided, multiple submitters, no conflicts (2 of 4 stars). 4 submissions from 4 submitters: Benign (1); Likely benign (3). Last evaluated 2025-09-05.

Conditions:
Osteogenesis imperfecta type I (OI1). Also called: OI, TYPE I; OSTEOGENESIS IMPERFECTA TARDA; OSTEOGENESIS IMPERFECTA WITH BLUE SCLERAE; Lobstein disease; Lobstein's Disease; Classic Non-deforming Osteogenesis Imperfecta with Blue Sclerae. Identifiers: Orphanet 216796, Orphanet 666, MedGen C0023931, MONDO:0008146, OMIM 166200. Disease mechanism: loss of function.

Allele frequency attached by ClinVar (database versions not stated): gnomAD exomes 0.00001 and 0.00005; gnomAD 0.00003; ExAC 0.00005; TOPMed 0.00007.
gnomAD v4.1: 20 of 1,613,360 alleles (0.0012%); highest among the groups gnomAD compares: East Asian, 0.036%; no homozygotes.

Submissions (4):

Labcorp Genetics (formerly Invitae), Labcorp
Classification: Likely benign for Osteogenesis imperfecta type I. Last evaluated: 2025-09-05. Review status: criteria provided, single submitter. Criteria: Invitae Variant Classification Sherloc (09022015). Collection method: clinical testing. Allele origin: germline.

Women's Health and Genetics/Laboratory Corporation of America, LabCorp
Classification: Benign. Last evaluated: 2025-03-18. Review status: criteria provided, single submitter. Criteria: LabCorp Variant Classification Summary - May 2015. Collection method: clinical testing. Allele origin: germline.

Blueprint Genetics
Classification: Likely benign. Last evaluated: 2021-09-06. Review status: criteria provided, single submitter. Criteria: ACMG Guidelines, 2015. Collection method: clinical testing. Allele origin: germline.

GeneDx
Classification: Likely benign. Last evaluated: 2017-04-27. Review status: criteria provided, single submitter. Criteria: GeneDx Variant Classification (06012015). Collection method: clinical testing. Allele origin: germline. Affected: yes.
Comment: This variant is considered likely benign or benign based on one or more of the following criteria: it is a conservative change, it occurs at a poorly conserved position in the protein, it is predicted to be benign by multiple in silico algorithms, and/or has population frequency not consistent with disease.

NM_000088.4(COL1A1):c.3532-13C>T

Gene: COL1A1 (collagen type I alpha 1 chain; minus strand). Cytogenetic location: 17q21.33.
Variant type: single nucleotide variant.
Coding change: c.3532-13C>T on transcript NM_000088.4 (MANE Select); 13 bases into the intron before coding-DNA position 3532, C replaced by T.
Molecular consequence: intron variant.
Genome position (GRCh38, 1-based): chr17:50,186,935, G>A on the plus strand (C>T on the coding strand, the complement: COL1A1 is on the minus strand). VCF-style: chr17-50186935-G-A. GRCh37 (hg19) VCF-style: chr17-48264296-G-A.
Identifiers: ClinVar variation 509318 (VCV000509318.8), dbSNP rs369694934, ClinGen allele CA8644408.